The following is an entry in ClinVar:

ClinVar aggregate classification (germline): Uncertain significance (1 of 4 stars; one submission).

Submission:

Labcorp Genetics (formerly Invitae), Labcorp
Classification: Uncertain significance. Last evaluated: 2023-04-28. Review status: criteria provided, single submitter. Criteria: Invitae Variant Classification Sherloc (09022015). Collection method: clinical testing. Allele origin: germline.
Comment: This sequence change replaces histidine, which is basic and polar, with arginine, which is basic and polar, at codon 430 of the GATAD2B protein (p.His430Arg). This variant is not present in population databases (gnomAD no frequency). This variant has not been reported in the literature in individuals affected with GATAD2B-related conditions. Advanced modeling of protein sequence and biophysical properties (such as structural, functional, and spatial information, amino acid conservation, physicochemical variation, residue mobility, and thermodynamic stability) performed at Invitae indicates that this missense variant is not expected to disrupt GATAD2B protein function. In summary, the available evidence is currently insufficient to determine the role of this variant in disease. Therefore, it has been classified as a Variant of Uncertain Significance.

NM_020699.4(GATAD2B):c.1289A>G (p.His430Arg)

Gene: GATAD2B (GATA zinc finger domain containing 2B; minus strand). Cytogenetic location: 1q21.3.
Variant type: single nucleotide variant.
Coding change: c.1289A>G on transcript NM_020699.4 (MANE Select); coding-DNA position 1289, A replaced by G.
Protein change: p.His430Arg; replaces histidine 430 with arginine.
Molecular consequence: missense variant.
Genome position (GRCh38, 1-based): chr1:153,813,380, T>C on the plus strand (A>G on the coding strand, the complement: GATAD2B is on the minus strand). VCF-style: chr1-153813380-T-C. GRCh37 (hg19) VCF-style: chr1-153785856-T-C.
Other names: short protein forms H430R.
Identifiers: ClinVar variation 2860422 (VCV002860422.3), dbSNP rs2525238280, ClinGen allele CA342524782.
Genomic context (GRCh38, chr1:153,813,380, plus strand): 5'-TTCTGGTTGGAGGTCATACACTGCTCACATAGAATCTTACCATTCTTTTCTTGCTTCCAG[T>C]GAGGGGTGAAATCTGTGCGGCACTGGGCACATACAAAGGGTTCAACCCGCAGAAGTGAGG-3'
Protein context (NP_065750.1, residues 420-440): CAQCRTDFTP[His430Arg]WKQEKNGKIL